The following is an entry in ClinVar:

NM_173076.3(ABCA12):c.2785C>T (p.Arg929Cys)

Gene: ABCA12 (ATP binding cassette subfamily A member 12; minus strand). Cytogenetic location: 2q35.
Variant type: single nucleotide variant.
Coding change: c.2785C>T on transcript NM_173076.3 (MANE Select); coding-DNA position 2785, C replaced by T.
Protein change: p.Arg929Cys; replaces arginine 929 with cysteine.
Molecular consequence: missense variant. On other transcripts: non-coding transcript variant (1).
Genome position (GRCh38, 1-based): chr2:215,001,636, G>A on the plus strand (C>T on the coding strand, the complement: ABCA12 is on the minus strand). VCF-style: chr2-215001636-G-A. GRCh37 (hg19) VCF-style: chr2-215866360-G-A.
Other names: c.1831C>T, p.Arg611Cys (NM_015657.4); short protein forms R611C, R929C.
Identifiers: ClinVar variation 3384054 (VCV003384054.1).

ClinVar aggregate classification (germline): Likely pathogenic. Review status: criteria provided, multiple submitters, no conflicts (2 of 4 stars). 2 submissions from 2 submitters: Likely pathogenic (2). Last evaluated 2025-04-09.

Conditions:
Autosomal recessive congenital ichthyosis 4A (LI2). Also called: ICHTHYOSIS CONGENITA IIB. Identifiers: Orphanet 313, MedGen C1832550, MONDO:0011026, OMIM 601277.
Autosomal recessive congenital ichthyosis 4B (ARCI4B). Also called: HARLEQUIN ICHTHYOSIS; Harlequin Fetus; ICHTHYOSIS CONGENITA, HARLEQUIN FETUS TYPE; Ichthyosis, congenital, autosomal recessive 4B (harlequin). Identifiers: Orphanet 457, MedGen C0598226, MONDO:0009443, OMIM 242500.
Ichthyosis. Also called: Ichthyosis (disease). Identifiers: Orphanet 79354, MedGen C0020757, MONDO:0019269, HP:0008064.

gnomAD v4.1: 26 of 1,613,486 alleles (0.0016%); highest among the groups gnomAD compares: South Asian, 0.0077%; no homozygotes.

Submissions (2):

First Genomix Gene Laboratory, Genetic Diagnostics Department
Classification: Likely pathogenic for Autosomal recessive congenital ichthyosis 4A; Autosomal recessive congenital ichthyosis 4B. Last evaluated: 2025-04-09. Review status: criteria provided, single submitter. Criteria: ACMG Guidelines, 2015. Collection method: clinical testing. Allele origin: germline. Inheritance: Autosomal recessive inheritance. Affected: no. Observed: 1 variant allele.

Dubai Health Genomic Medicine Center, Dubai Health
Classification: Likely pathogenic for Ichthyosis. Last evaluated: 2024-10-04. Review status: criteria provided, single submitter. Criteria: ACMG Guidelines, 2015. Collection method: research. Allele origin: germline. Affected: yes.
Comment: PP1,PM3(moderate),PM2,PP3